The following is an entry in ClinVar:

NM_198859.4(PRICKLE2):c.*4733G>A

Genes: PRICKLE2 (prickle planar cell polarity protein 2; minus strand), PRICKLE2-AS1 (PRICKLE2 antisense RNA 1; plus strand). Cytogenetic location: 3p14.1.
Variant type: single nucleotide variant.
Coding change: c.*4733G>A on transcript NM_198859.4 (MANE Select); 4733 bases downstream of the stop codon, G replaced by A.
Molecular consequence: 3 prime UTR variant.
Genome position (GRCh38, 1-based): chr3:64,094,318, C>T on the plus strand (G>A on the coding strand, the complement: PRICKLE2 is on the minus strand). VCF-style: chr3-64094318-C-T. GRCh37 (hg19) VCF-style: chr3-64079994-C-T.
Other names: c.*4733G>A (NM_001370528.1).
Identifiers: ClinVar variation 346417 (VCV000346417.6), dbSNP rs153732, ClinGen allele CA10616532.

ClinVar aggregate classification (germline): Benign. Review status: criteria provided, multiple submitters, no conflicts (2 of 4 stars). 2 submissions from 2 submitters: Benign (2). Last evaluated 2018-01-13.

Conditions:
Progressive myoclonic epilepsy. Also called: Progressive myoclonus epilepsy; Familial progressive myoclonic epilepsy; Myoclonus epilepsy; Myoclonic Epilepsies, Progressive. Identifiers: Orphanet 308, Orphanet 98261, MedGen C0751778, MONDO:0020074.

Allele frequency attached by ClinVar (database versions not stated): gnomAD exomes 0.50000; 1000 Genomes Project 30x 0.87633; 1000 Genomes Project 0.88139; TOPMed 0.89950; gnomAD 0.90732 and 0.91174.
gnomAD v4.1: 138,926 of 152,258 alleles (91%); highest among the groups gnomAD compares: Non-Finnish European, 100%; 64,508 homozygotes.

Submissions (2):

Illumina Laboratory Services, Illumina
Classification: Benign for Progressive myoclonic epilepsy. Last evaluated: 2018-01-13. Review status: criteria provided, single submitter. Criteria: ICSL Variant Classification Criteria 13 December 2019. Collection method: clinical testing. Allele origin: germline.
Comment: This variant was observed in the ICSL laboratory as part of a predisposition screen in an ostensibly healthy population. It had not been previously curated by ICSL or reported in the Human Gene Mutation Database (HGMD: prior to June 1st, 2018), and was therefore a candidate for classification through an automated scoring system. Utilizing variant allele frequency, disease prevalence and penetrance estimates, and inheritance mode, an automated score was calculated to assess if this variant is too frequent to cause the disease. Based on the score and internal cut-off values, a variant classified as benign is not then subjected to further curation. The score for this variant resulted in a classification of benign for this disease.

Breakthrough Genomics
Classification: Benign. Review status: criteria provided, single submitter. Criteria: ACMG Guidelines, 2015. Collection method: not provided. Allele origin: germline. Inheritance: Unknown mechanism. Affected: yes.